The following is an entry in ClinVar:

ClinVar aggregate classification (germline): Uncertain significance (1 of 4 stars; one submission).

Conditions:
Hereditary nonpolyposis colorectal neoplasms. Identifiers: MedGen C0009405, MeSH D003123.

Submission:

Labcorp Genetics (formerly Invitae), Labcorp
Classification: Uncertain significance for Hereditary nonpolyposis colorectal neoplasms. Last evaluated: 2018-10-25. Review status: criteria provided, single submitter. Criteria: Invitae Variant Classification Sherloc (09022015). Collection method: clinical testing. Allele origin: germline.
Comment: In summary, the available evidence is currently insufficient to determine the role of this variant in disease. Therefore, it has been classified as a Variant of Uncertain Significance. Algorithms developed to predict the effect of sequence changes on RNA splicing suggest that this variant may create or strengthen a splice site, but this prediction has not been confirmed by published transcriptional studies. Algorithms developed to predict the effect of missense changes on protein structure and function (SIFT, PolyPhen-2, Align-GVGD) all suggest that this variant is likely to be tolerated, but these predictions have not been confirmed by published functional studies and their clinical significance is uncertain. This variant has not been reported in the literature in individuals with MSH6-related disease. This variant is not present in population databases (ExAC no frequency). This sequence change replaces glutamic acid with valine at codon 1121 of the MSH6 protein (p.Glu1121Val). The glutamic acid residue is weakly conserved and there is a moderate physicochemical difference between glutamic acid and valine.

NM_000179.3(MSH6):c.3362A>T (p.Glu1121Val)

Gene: MSH6 (mutS homolog 6; plus strand). Cytogenetic location: 2p16.3.
Variant type: single nucleotide variant.
Coding change: c.3362A>T on transcript NM_000179.3 (MANE Select); coding-DNA position 3362, A replaced by T.
Protein change: p.Glu1121Val; replaces glutamic acid 1121 with valine.
Molecular consequence: missense variant.
Genome position (GRCh38, 1-based): chr2:47,803,609, A>T. VCF-style: chr2-47803609-A-T. GRCh37 (hg19) VCF-style: chr2-48030748-A-T.
Other names: c.2972A>T, p.Glu991Val (NM_001281492.2); c.2456A>T, p.Glu819Val (NM_001281493.2, NM_001281494.2); short protein forms E1121V, E819V, E991V.
Identifiers: ClinVar variation 642584 (VCV000642584.9), dbSNP rs776589986, ClinGen allele CA346758782.